The following is an entry in ClinVar:

ClinVar aggregate classification (germline): Uncertain significance. Review status: criteria provided, multiple submitters, no conflicts (2 of 4 stars). 4 submissions from 4 submitters: Uncertain significance (4). Last evaluated 2026-01-26.

Conditions:
Early-infantile DEE. Also called: Ohtahara syndrome; Early infantile epileptic encephalopathy with suppression bursts; Early infantile epileptic encephalopathy. Identifiers: Orphanet 1934, MedGen C0393706, MONDO:0800491.
Developmental and epileptic encephalopathy, 7 (DEE7). Also called: KCNQ2-Related Neonatal-Onset Developmental and Epileptic Encephalopathy (NEO-DEE); Early infantile epileptic encephalopathy 7; KCNQ2-Related Neonatal Epileptic Encephalopathy. Identifiers: Orphanet 439218, MedGen C3150986, MONDO:0013387, OMIM 613720.
Seizures, benign familial neonatal, 1. Also called: Benign Neonatal Epilepsy 1; KCNQ2-Related Self-Limited Familial Neonatal Epilepsy (SLFNE); KCNQ2-Related Benign Familial Neonatal Epilepsy; Seizures, benign neonatal, 1. Identifiers: Orphanet 1949, MedGen C3149074, MONDO:0007365, OMIM 121200.

Allele frequency attached by ClinVar (database versions not stated): ExAC 0.00001; gnomAD exomes 0.00002 and 0.00003; TOPMed 0.00003; gnomAD 0.00004.
gnomAD v4.1: 46 of 1,597,662 alleles (0.0029%); highest among the groups gnomAD compares: Non-Finnish European, 0.0036%; no homozygotes.

Submissions (4):

Labcorp Genetics (formerly Invitae), Labcorp
Classification: Uncertain significance for Early-infantile DEE. Last evaluated: 2026-01-26. Review status: criteria provided, single submitter. Criteria: Invitae Variant Classification Sherloc (09022015). Collection method: clinical testing. Allele origin: germline.
Comment: This sequence change falls in intron 16 of the KCNQ2 gene. It does not directly change the encoded amino acid sequence of the KCNQ2 protein. It affects a nucleotide within the consensus splice site. This variant is present in population databases (rs772971971, gnomAD 0.006%). This variant has not been reported in the literature in individuals affected with KCNQ2-related conditions. ClinVar contains an entry for this variant (Variation ID: 283738). Variants that disrupt the consensus splice site are a relatively common cause of aberrant splicing (PMID: 17576681, 9536098). Algorithms developed to predict the effect of sequence changes on RNA splicing suggest that this variant is not likely to affect RNA splicing. In summary, the available evidence is currently insufficient to determine the role of this variant in disease. Therefore, it has been classified as a Variant of Uncertain Significance.

Blueprint Genetics
Classification: Uncertain significance. Last evaluated: 2024-07-11. Review status: criteria provided, single submitter. Criteria: ACMG Guidelines, 2015. Collection method: clinical testing. Allele origin: germline.

Fulgent Genetics
Classification: Uncertain significance for Seizures, benign familial neonatal, 1; Developmental and epileptic encephalopathy, 7. Last evaluated: 2018-10-31. Review status: criteria provided, single submitter. Criteria: ACMG Guidelines, 2015. Collection method: clinical testing. Allele origin: unknown.

Eurofins Ntd Llc (ga)
Classification: Uncertain significance. Last evaluated: 2015-10-12. Review status: criteria provided, single submitter. Criteria: EGL Classification Definitions 2015. Collection method: clinical testing. Allele origin: germline.

Literature cited by the submitters: PubMed 17576681 (cited by Labcorp Genetics (formerly Invitae), Labcorp); PubMed 9536098 (cited by Labcorp Genetics (formerly Invitae), Labcorp).

NM_172107.4(KCNQ2):c.1888-3C>T

Gene: KCNQ2 (potassium voltage-gated channel subfamily Q member 2; minus strand). Cytogenetic location: 20q13.33.
Variant type: single nucleotide variant.
Coding change: c.1888-3C>T on transcript NM_172107.4 (MANE Select); 3 bases into the intron before coding-DNA position 1888, C replaced by T.
Molecular consequence: intron variant.
Genome position (GRCh38, 1-based): chr20:63,407,378, G>A on the plus strand (C>T on the coding strand, the complement: KCNQ2 is on the minus strand). VCF-style: chr20-63407378-G-A. GRCh37 (hg19) VCF-style: chr20-62038731-G-A.
Other names: c.1804-3C>T (NM_004518.6); c.1795-3C>T (NM_172108.5); c.1834-3C>T (NM_172106.3).
Identifiers: ClinVar variation 283738 (VCV000283738.15), dbSNP rs772971971, ClinGen allele CA9958203.